The following is an entry in ClinVar:

NM_006031.6(PCNT):c.7474G>C (p.Glu2492Gln)

Gene: PCNT (pericentrin; plus strand). Cytogenetic location: 21q22.3.
Variant type: single nucleotide variant.
Coding change: c.7474G>C on transcript NM_006031.6 (MANE Select); coding-DNA position 7474, G replaced by C.
Protein change: p.Glu2492Gln; replaces glutamic acid 2492 with glutamine.
Molecular consequence: missense variant.
Genome position (GRCh38, 1-based): chr21:46,427,775, G>C. VCF-style: chr21-46427775-G-C. GRCh37 (hg19) VCF-style: chr21-47847689-G-C.
Other names: c.7120G>C, p.Glu2374Gln (NM_001315529.2); short protein forms E2374Q, E2492Q.
Identifiers: ClinVar variation 3353121 (VCV003353121.1).
Genomic context (GRCh38, chr21:46,427,775, plus strand): 5'-CTGCAGCCCCGACTCAGTGGCTCAGATCTGGGGGGTCACAGCTCCCTGCTCGAAAGGCTG[G>C]AGAAGATCATCCGTGAGCAGGTGAGTGTCAGCTCTGCCACCAGGCCTCAGTTTGCCCCAG-3'
Protein context (NP_006022.3, residues 2482-2502): GGHSSLLERL[Glu2492Gln]KIIREQGDLQ

ClinVar aggregate classification (germline): Uncertain significance (0 of 4 stars; one submission).

Conditions:
PCNT-related disorder. Also called: PCNT-related condition.

gnomAD v4.1: 62 of 1,613,642 alleles (0.0038%); highest among the groups gnomAD compares: Non-Finnish European, 0.0052%; no homozygotes.

Submission:

PreventionGenetics, part of Exact Sciences
Classification: Uncertain significance for PCNT-related condition. Last evaluated: 2024-06-04. Review status: no assertion criteria provided. Collection method: clinical testing. Allele origin: germline.
Comment: The PCNT c.7474G>C variant is predicted to result in the amino acid substitution p.Glu2492Gln. To our knowledge, this variant has not been reported in the literature. This variant is reported in 0.0035% of alleles in individuals of European (Non-Finnish) descent in gnomAD. At this time, the clinical significance of this variant is uncertain due to the absence of conclusive functional and genetic evidence.